The following is an entry in ClinVar:

NM_145331.3(MAP3K7):c.632A>G (p.Asp211Gly)

Gene: MAP3K7 (mitogen-activated protein kinase kinase kinase 7; minus strand). Cytogenetic location: 6q15.
Variant type: single nucleotide variant.
Coding change: c.632A>G on transcript NM_145331.3 (MANE Select); coding-DNA position 632, A replaced by G.
Protein change: p.Asp211Gly; replaces aspartic acid 211 with glycine.
Molecular consequence: missense variant.
Genome position (GRCh38, 1-based): chr6:90,553,562, T>C on the plus strand (A>G on the coding strand, the complement: MAP3K7 is on the minus strand). VCF-style: chr6-90553562-T-C. GRCh37 (hg19) VCF-style: chr6-91263281-T-C.
Other names: c.632A>G, p.Asp211Gly (NM_003188.4, NM_145332.3, NM_145333.3); short protein forms D211G.
Identifiers: ClinVar variation 992915 (VCV000992915.1), dbSNP rs1776245887, ClinGen allele CA365012584.

ClinVar aggregate classification (germline): Uncertain significance (1 of 4 stars; one submission).

Conditions:
Cardiospondylocarpofacial syndrome (CSCF). Identifiers: Orphanet 3238, MedGen C2931461, MONDO:0008005, OMIM 157800.

Submission:

Johns Hopkins Genomics, Johns Hopkins University
Classification: Uncertain significance for Cardiospondylocarpofacial syndrome. Last evaluated: 2020-12-02. Review status: criteria provided, single submitter. Criteria: ACMG Guidelines, 2015. Collection method: clinical testing. Allele origin: germline.
Comment: This MAP3K7 variant is absent from a large population database and has not been reported in the literature to our knowledge. Three bioinformatics tools predict this variant would be damaging. The aspartate residue at this position is strongly conserved across the species assessed and is located in the TAK1 kinase domain. This variant is not predicted to affect normal exon 7 splicing, although this has not been confirmed experimentally to our knowledge. Due to insufficient evidence, we consider the clinical significance of c.632A>G to be uncertain at this time.

Literature cited by the submitters: PubMed 20186786; PubMed 27426733; PubMed 27426734.